The following is an entry in ClinVar:

ClinVar aggregate classification (germline): Conflicting classifications of pathogenicity. Review status: criteria provided, conflicting classifications (1 of 4 stars). 3 submissions from 3 submitters: Likely pathogenic (1); Uncertain significance (2). Last evaluated 2023-10-26.

Conditions:
Polycystic kidney disease, adult type (PKD1). Also called: Polycystic Kidney Disease 1, Autosomal Dominant; Polycystic kidney disease 1; Polycystic kidney disease 1, severe; Polycystic Kidney, Autosomal Dominant; POLYCYSTIC KIDNEY DISEASE, ADULT, TYPE I; POLYCYSTIC KIDNEY DISEASE 1 WITH OR WITHOUT POLYCYSTIC LIVER DISEASE. Identifiers: MedGen C3149841, MONDO:0008263, OMIM 173900.
PKD1-related disorder. Also called: PKD1-related condition.

Submissions (3):

Blueprint Genetics
Classification: Likely pathogenic for PKD1-related disorders. Last evaluated: 2023-10-26. Review status: criteria provided, single submitter. Criteria: ACMG Guidelines, 2015. Collection method: clinical testing. Allele origin: germline. Affected: yes. Observed: 1 variant allele.

Department of Pathology and Laboratory Medicine, Sinai Health System
Classification: Uncertain significance for Polycystic kidney disease, adult type. Last evaluated: 2022-06-24. Review status: criteria provided, single submitter. Criteria: ACMG Guidelines, 2015. Collection method: clinical testing. Allele origin: germline. Affected: yes.

ARUP Laboratories, Molecular Genetics and Genomics, ARUP Laboratories
Classification: Uncertain significance for Polycystic kidney disease, adult type. Last evaluated: 2019-06-09. Review status: criteria provided, single submitter. Criteria: ARUP Molecular Germline Variant Investigation Process. Collection method: clinical testing. Allele origin: germline.
Comment: The PKD1 c.11450G>A; p.Gly3817Glu variant, to our knowledge, is not reported in the medical literature or gene specific databases. This variant is also absent from general population databases (Exome Variant Server, Genome Aggregation Database), indicating it is not a common polymorphism. The glycine at codon 3817 is highly conserved, and computational analyses (SIFT: tolerated, PolyPhen-2: probably damaging) predict conflicting effects of this variant on protein structure/function. Due to limited information, the clinical significance of the p.Gly3817Glu variant is uncertain at this time.

NM_001009944.3(PKD1):c.11450G>A (p.Gly3817Glu)

Genes: PKD1 (polycystin 1, transient receptor potential channel interacting; minus strand), PKD1-AS1 (PKD1 antisense RNA 1; plus strand). Cytogenetic location: 16p13.3.
Variant type: single nucleotide variant.
Coding change: c.11450G>A on transcript NM_001009944.3 (MANE Select); coding-DNA position 11450, G replaced by A.
Protein change: p.Gly3817Glu; replaces glycine 3817 with glutamic acid.
Molecular consequence: missense variant.
Genome position (GRCh38, 1-based): chr16:2,091,868, C>T on the plus strand (G>A on the coding strand, the complement: PKD1 is on the minus strand). VCF-style: chr16-2091868-C-T. GRCh37 (hg19) VCF-style: chr16-2141869-C-T.
Other names: c.11450G>A (NM_001009944.2); c.11447G>A, p.Gly3816Glu (NM_000296.4); short protein forms G3816E, G3817E.
Identifiers: ClinVar variation 811473 (VCV000811473.10), dbSNP rs1168911293, ClinGen allele CA394333230.
Genomic context (GRCh38, chr16:2,091,868, plus strand): 5'-AGGAAGCGCAGCCGGTCGCGGCTCTCCTCCAGGCTCAGGCCCAGCTCCTGCACGTAGCCC[C>T]CGCTGTCATACACGGCACAGGAGCCCCAGGACCATGCCCTGCCGGAGAGGGGTGGCGTGG-3'
Protein context (NP_001009944.3, residues 3807-3827): SWGSCAVYDS[Gly3817Glu]GYVQELGLSL